The following is an entry in ClinVar:

NM_001134831.2(AHI1):c.2571T>G (p.Phe857Leu)

Gene: AHI1 (Abelson helper integration site 1; minus strand). Cytogenetic location: 6q23.3.
Variant type: single nucleotide variant.
Coding change: c.2571T>G on transcript NM_001134831.2 (MANE Select); coding-DNA position 2571, T replaced by G.
Protein change: p.Phe857Leu; replaces phenylalanine 857 with leucine.
Molecular consequence: missense variant.
Genome position (GRCh38, 1-based): chr6:135,428,681, A>C on the plus strand (T>G on the coding strand, the complement: AHI1 is on the minus strand). VCF-style: chr6-135428681-A-C. GRCh37 (hg19) VCF-style: chr6-135749819-A-C.
Other names: c.2571T>G, p.Phe857Leu (NM_001134830.2, NM_001134832.2, NM_001350503.2 and 2 more transcripts); short protein forms F857L.
Identifiers: ClinVar variation 2572816 (VCV002572816.1), dbSNP rs777787792, ClinGen allele CA4012338.

ClinVar aggregate classification (germline): Uncertain significance (1 of 4 stars; one submission).

Allele frequency attached by ClinVar (database versions not stated): ExAC 0.00001; gnomAD 0.00001; TOPMed 0.00001.
gnomAD v4.1: 27 of 1,609,252 alleles (0.0017%); highest among the groups gnomAD compares: Non-Finnish European, 0.0021%; no homozygotes.

Submission:

GeneDx
Classification: Uncertain significance. Last evaluated: 2023-01-12. Review status: criteria provided, single submitter. Criteria: GeneDx Variant Classification Process June 2021. Collection method: clinical testing. Allele origin: germline. Affected: yes.
Comment: Not observed at significant frequency in large population cohorts (gnomAD); In silico analysis supports that this missense variant has a deleterious effect on protein structure/function; Has not been previously published as pathogenic or benign to our knowledge; This variant is associated with the following publications: (PMID: 15467982)